The following is an entry in ClinVar:

ClinVar aggregate classification (germline): Uncertain significance (1 of 4 stars; one submission).

Conditions:
Distal myopathy with posterior leg and anterior hand involvement. Also called: WILLIAMS DISTAL MYOPATHY. Identifiers: Orphanet 63273, MedGen C3279722, MONDO:0013550, OMIM 614065.
Hypertrophic cardiomyopathy 26. Also called: Cardiomyopathy, familial hypertrophic, 26. Identifiers: Orphanet 75249, MedGen C4310749, MONDO:0014883, OMIM 617047.
Myofibrillar myopathy 5. Also called: Filaminopathy (type); FILAMINOPATHY, AUTOSOMAL DOMINANT. Identifiers: Orphanet 171445, MedGen C1836050, MONDO:0012289, OMIM 609524.

Submission:

Labcorp Genetics (formerly Invitae), Labcorp
Classification: Uncertain significance for Distal myopathy with posterior leg and anterior hand involvement; Myofibrillar myopathy 5; Hypertrophic cardiomyopathy 26. Last evaluated: 2025-06-18. Review status: criteria provided, single submitter. Criteria: Invitae Variant Classification Sherloc (09022015). Collection method: clinical testing. Allele origin: germline.
Comment: This sequence change replaces cysteine, which is neutral and slightly polar, with arginine, which is basic and polar, at codon 535 of the FLNC protein (p.Cys535Arg). This variant is not present in population databases (gnomAD no frequency). This variant has not been reported in the literature in individuals affected with FLNC-related conditions. ClinVar contains an entry for this variant (Variation ID: 3750803). Invitae Evidence Modeling of protein sequence and biophysical properties (such as structural, functional, and spatial information, amino acid conservation, physicochemical variation, residue mobility, and thermodynamic stability) has been performed for this missense variant. However, the output from this modeling did not meet the statistical confidence thresholds required to predict the impact of this variant on FLNC protein function. In summary, the available evidence is currently insufficient to determine the role of this variant in disease. Therefore, it has been classified as a Variant of Uncertain Significance.

NM_001458.5(FLNC):c.1603T>C (p.Cys535Arg)

Gene: FLNC (filamin C; plus strand). Cytogenetic location: 7q32.1.
Variant type: single nucleotide variant.
Coding change: c.1603T>C on transcript NM_001458.5 (MANE Select); coding-DNA position 1603, T replaced by C.
Protein change: p.Cys535Arg; replaces cysteine 535 with arginine.
Molecular consequence: missense variant.
Genome position (GRCh38, 1-based): chr7:128,840,601, T>C. VCF-style: chr7-128840601-T-C. GRCh37 (hg19) VCF-style: chr7-128480655-T-C.
Other names: c.1603T>C, p.Cys535Arg (NM_001127487.2); short protein forms C535R.
Identifiers: ClinVar variation 3750803 (VCV003750803.2).